The following is an entry in ClinVar:

NM_005902.4(SMAD3):c.193A>T (p.Ile65Phe)

Gene: SMAD3 (SMAD family member 3; plus strand). Cytogenetic location: 15q22.33.
Variant type: single nucleotide variant.
Coding change: c.193A>T on transcript NM_005902.4 (MANE Select); coding-DNA position 193, A replaced by T.
Protein change: p.Ile65Phe; replaces isoleucine 65 with phenylalanine.
Molecular consequence: missense variant.
Genome position (GRCh38, 1-based): chr15:67,066,347, A>T. VCF-style: chr15-67066347-A-T. GRCh37 (hg19) VCF-style: chr15-67358685-A-T.
Other names: c.193A>T, p.Ile65Phe (NM_001407011.1, NM_001407012.1, NM_001407013.1); short protein forms I65F.
Identifiers: ClinVar variation 2816431 (VCV002816431.3), dbSNP rs2140189171, ClinGen allele CA393203100.

ClinVar aggregate classification (germline): Uncertain significance (1 of 4 stars; one submission).

Conditions:
Familial thoracic aortic aneurysm and aortic dissection (TAAD). Also called: Thoracic aortic aneurysms and dissections. Identifiers: Orphanet 91387, MedGen C4707243, MONDO:0019625.

Submission:

Labcorp Genetics (formerly Invitae), Labcorp
Classification: Uncertain significance for Familial thoracic aortic aneurysm and aortic dissection. Last evaluated: 2024-05-25. Review status: criteria provided, single submitter. Criteria: Invitae Variant Classification Sherloc (09022015). Collection method: clinical testing. Allele origin: germline.
Comment: This sequence change replaces isoleucine, which is neutral and non-polar, with phenylalanine, which is neutral and non-polar, at codon 65 of the SMAD3 protein (p.Ile65Phe). This variant is not present in population databases (gnomAD no frequency). This variant has not been reported in the literature in individuals affected with SMAD3-related conditions. Advanced modeling of protein sequence and biophysical properties (such as structural, functional, and spatial information, amino acid conservation, physicochemical variation, residue mobility, and thermodynamic stability) performed at Invitae indicates that this missense variant is expected to disrupt SMAD3 protein function with a positive predictive value of 80%. In summary, the available evidence is currently insufficient to determine the role of this variant in disease. Therefore, it has been classified as a Variant of Uncertain Significance.